The following is an entry in ClinVar:

NM_000245.4(MET):c.4066T>C (p.Tyr1356His)

Gene: MET (MET proto-oncogene, receptor tyrosine kinase; plus strand). Cytogenetic location: 7q31.2.
Variant type: single nucleotide variant.
Coding change: c.4066T>C on transcript NM_000245.4 (MANE Select); coding-DNA position 4066, T replaced by C.
Protein change: p.Tyr1356His; replaces tyrosine 1356 with histidine.
Molecular consequence: missense variant.
Genome position (GRCh38, 1-based): chr7:116,796,017, T>C. VCF-style: chr7-116796017-T-C. GRCh37 (hg19) VCF-style: chr7-116436071-T-C.
Other names: c.4120T>C, p.Tyr1374His (NM_001127500.3); c.2776T>C, p.Tyr926His (NM_001324402.2); short protein forms Y1356H, Y1374H, Y926H.
Identifiers: ClinVar variation 3241918 (VCV003241918.2), dbSNP rs2117112406.

ClinVar aggregate classification (germline): Uncertain significance. Review status: criteria provided, multiple submitters, no conflicts (2 of 4 stars). 2 submissions from 2 submitters: Uncertain significance (2). Last evaluated 2025-02-25.

Conditions:
Renal cell carcinoma. Identifiers: Orphanet 217071, MedGen C0007134, MeSH D002292, MONDO:0005086, HP:0005584.
Autosomal recessive nonsyndromic hearing loss 97. Also called: Deafness, autosomal recessive 97. Identifiers: Orphanet 90636, MedGen C4084709, MONDO:0014739, OMIM 616705.

Submissions (2):

Labcorp Genetics (formerly Invitae), Labcorp
Classification: Uncertain significance for Renal cell carcinoma. Last evaluated: 2025-02-25. Review status: criteria provided, single submitter. Criteria: Invitae Variant Classification Sherloc (09022015). Collection method: clinical testing. Allele origin: germline.
Comment: This sequence change replaces tyrosine, which is neutral and polar, with histidine, which is basic and polar, at codon 1374 of the MET protein (p.Tyr1374His). This variant is not present in population databases (gnomAD no frequency). This variant has not been reported in the literature in individuals affected with MET-related conditions. ClinVar contains an entry for this variant (Variation ID: 3241918). Invitae Evidence Modeling of protein sequence and biophysical properties (such as structural, functional, and spatial information, amino acid conservation, physicochemical variation, residue mobility, and thermodynamic stability) indicates that this missense variant is expected to disrupt MET protein function with a positive predictive value of 80%. In summary, the available evidence is currently insufficient to determine the role of this variant in disease. Therefore, it has been classified as a Variant of Uncertain Significance.

Baylor Genetics
Classification: Uncertain significance for Autosomal recessive nonsyndromic hearing loss 97. Last evaluated: 2024-02-21. Review status: criteria provided, single submitter. Criteria: ACMG Guidelines, 2015. Collection method: clinical testing. Allele origin: unknown.